The following is an entry in ClinVar:

NM_182961.4(SYNE1):c.707G>A (p.Arg236Gln)

Gene: SYNE1 (spectrin repeat containing nuclear envelope protein 1; minus strand). Cytogenetic location: 6q25.2.
Variant type: single nucleotide variant.
Coding change: c.707G>A on transcript NM_182961.4 (MANE Select); coding-DNA position 707, G replaced by A.
Protein change: p.Arg236Gln; replaces arginine 236 with glutamine.
Molecular consequence: missense variant.
Genome position (GRCh38, 1-based): chr6:152,505,272, C>T on the plus strand (G>A on the coding strand, the complement: SYNE1 is on the minus strand). VCF-style: chr6-152505272-C-T. GRCh37 (hg19) VCF-style: chr6-152826407-C-T.
Other names: c.728G>A, p.Arg243Gln (NM_033071.5); short protein forms R236Q, R243Q.
Identifiers: ClinVar variation 2053839 (VCV002053839.3), dbSNP rs200704755, ClinGen allele CA4059649.

ClinVar aggregate classification (germline): Uncertain significance. Review status: criteria provided, multiple submitters, no conflicts (2 of 4 stars). 2 submissions from 2 submitters: Uncertain significance (2). Last evaluated 2025-04-04.

Conditions:
Autosomal recessive ataxia, Beauce type. Also called: ATAXIA, RECESSIVE, OF BEAUCE; SYNE1-Related Autosomal Recessive Cerebellar Ataxia; Spinocerebellar ataxia, autosomal recessive 8; SYNE1 Deficiency. Identifiers: Orphanet 88644, MedGen C1853116, MONDO:0012549, OMIM 610743.
Emery-Dreifuss muscular dystrophy 4, autosomal dominant (EDMD4). Also called: EMERY-DREIFUSS MUSCULAR DYSTROPHY 4 WITH VARIABLE FEATURES. Identifiers: Orphanet 261, MedGen C2751807, MONDO:0013071, OMIM 612998.

Allele frequency attached by ClinVar (database versions not stated): 1000 Genomes Project 0.00020; ExAC 0.00002; TOPMed 0.00001; 1000 Genomes Project 30x 0.00016.
gnomAD v4.1: 14 of 1,614,122 alleles (0.00087%); highest among the groups gnomAD compares: Admixed American, 0.01%; no homozygotes.

Submissions (2):

Dasa
Classification: Uncertain significance. Last evaluated: 2025-04-04. Review status: criteria provided, single submitter. Criteria: DASA Assertion Criteria. Collection method: clinical testing. Allele origin: germline.
Comment: NM_182961.4(SYNE1):c.707G>A (p.Arg236Gln) is a missense variant that results in the substitution of arginine with glutamine. This variant is rare in population databases. Computational prediction algorithms are consistent with a deleterious effect. The currently available literature and clinical evidence are not sufficient to establish a definitive association between this variant and the reported condition. Therefore, this variant is classified as a variant of uncertain significance.

Labcorp Genetics (formerly Invitae), Labcorp
Classification: Uncertain significance for Emery-Dreifuss muscular dystrophy 4, autosomal dominant; Autosomal recessive ataxia, Beauce type. Last evaluated: 2022-07-01. Review status: criteria provided, single submitter. Criteria: Invitae Variant Classification Sherloc (09022015). Collection method: clinical testing. Allele origin: germline.
Comment: This sequence change replaces arginine, which is basic and polar, with glutamine, which is neutral and polar, at codon 243 of the SYNE1 protein (p.Arg243Gln). This variant is present in population databases (rs200704755, gnomAD 0.02%). This variant has not been reported in the literature in individuals affected with SYNE1-related conditions. Algorithms developed to predict the effect of missense changes on protein structure and function are either unavailable or do not agree on the potential impact of this missense change (SIFT: "Deleterious"; PolyPhen-2: "Probably Damaging"; Align-GVGD: "Class C0"). In summary, the available evidence is currently insufficient to determine the role of this variant in disease. Therefore, it has been classified as a Variant of Uncertain Significance.